The following is an entry in ClinVar:

ClinVar aggregate classification (germline): Uncertain significance. Review status: criteria provided, multiple submitters, no conflicts (2 of 4 stars). 2 submissions from 2 submitters: Uncertain significance (2). Last evaluated 2019-07-18.

Allele frequency attached by ClinVar (database versions not stated): gnomAD 0.00001; gnomAD exomes 0.00001; TOPMed 0.00002.
gnomAD v4.1: 14 of 1,613,066 alleles (0.00087%); highest among the groups gnomAD compares: Middle Eastern, 0.033%; 1 homozygote.

Submissions (2):

GeneDx
Classification: Uncertain significance. Last evaluated: 2019-07-18. Review status: criteria provided, single submitter. Criteria: GeneDx Variant Classification Process June 2021. Collection method: clinical testing. Allele origin: germline. Affected: yes.
Comment: Not observed in large population cohorts (Lek et al., 2016); In silico analysis, which includes protein predictors and evolutionary conservation, supports that this variant does not alter protein structure/function; Has not been previously published as pathogenic or benign to our knowledge

Blueprint Genetics
Classification: Uncertain significance. Last evaluated: 2018-08-29. Review status: criteria provided, single submitter. Criteria: ACMG Guidelines, 2015. Collection method: clinical testing. Allele origin: germline.

NM_000217.3(KCNA1):c.38C>T (p.Ser13Leu)

Genes: KCNA1 (potassium voltage-gated channel subfamily A member 1; plus strand), LOC130007218 (ATAC-STARR-seq lymphoblastoid silent region 4155; plus strand). Cytogenetic location: 12p13.32.
Variant type: single nucleotide variant.
Coding change: c.38C>T on transcript NM_000217.3 (MANE Select); coding-DNA position 38, C replaced by T.
Protein change: p.Ser13Leu; replaces serine 13 with leucine.
Molecular consequence: missense variant.
Genome position (GRCh38, 1-based): chr12:4,911,416, C>T. VCF-style: chr12-4911416-C-T. GRCh37 (hg19) VCF-style: chr12-5020582-C-T.
Other names: short protein forms S13L.
Identifiers: ClinVar variation 1316112 (VCV001316112.3), dbSNP rs1253210703, ClinGen allele CA383453666.